The following is an entry in ClinVar:

ClinVar aggregate classification (germline): Uncertain significance (1 of 4 stars; one submission).

gnomAD v4.1: 1 of 1,612,230 alleles (0.000062%); highest among the groups gnomAD compares: African/African-American, 0.0013%; no homozygotes.

Submission:

Ambry Genetics
Classification: Uncertain significance. Last evaluated: 2024-11-18. Review status: criteria provided, single submitter. Criteria: Ambry Variant Classification Scheme 2023. Collection method: clinical testing. Allele origin: germline.
Comment: The p.E480D variant (also known as c.1440A>C), located in coding exon 10 of the CTNNA3 gene, results from an A to C substitution at nucleotide position 1440. The glutamic acid at codon 480 is replaced by aspartic acid, an amino acid with highly similar properties. This amino acid position is conserved. In addition, this alteration is predicted to be tolerated by in silico analysis. Based on the available evidence, the clinical significance of this variant remains unclear.

NM_013266.4(CTNNA3):c.1440A>C (p.Glu480Asp)

Gene: CTNNA3 (catenin alpha 3; minus strand). Cytogenetic location: 10q21.3.
Variant type: single nucleotide variant.
Coding change: c.1440A>C on transcript NM_013266.4 (MANE Select); coding-DNA position 1440, A replaced by C.
Protein change: p.Glu480Asp; replaces glutamic acid 480 with aspartic acid.
Molecular consequence: missense variant.
Genome position (GRCh38, 1-based): chr10:66,520,708, T>G on the plus strand (A>C on the coding strand, the complement: CTNNA3 is on the minus strand). VCF-style: chr10-66520708-T-G. GRCh37 (hg19) VCF-style: chr10-68280466-T-G.
Other names: c.1440A>C, p.Glu480Asp (NM_001127384.3); short protein forms E480D.
Identifiers: ClinVar variation 3498323 (VCV003498323.1).
Genomic context (GRCh38, chr10:66,520,708, plus strand): 5'-AATGTCATCTACGGCTTCAGTGAGGACATGTATATGATTCTCCCATGTACGCTTGTACAT[T>G]TCCATGGTGTTTTTGACCGCTTGACTTTTGGGTCTTGCAGCCAAAGCAAGTGCAGCATTA-3'
Protein context (NP_037398.2, residues 470-490): PKSQAVKNTM[Glu480Asp]MYKRTWENHI